The following is an entry in ClinVar:

ClinVar aggregate classification (germline): Likely pathogenic (0 of 4 stars; one submission).

Conditions:
Hypertrophic osteoarthropathy, primary, autosomal recessive, 2 (PHOAR2E). Also called: PHOAR2-enteropathy syndrome; PACHYDERMOPERIOSTOSIS, AUTOSOMAL RECESSIVE; PDP, AUTOSOMAL RECESSIVE; HYPERTROPHIC OSTEOARTHROPATHY, PRIMARY, AUTOSOMAL RECESSIVE, 2/ENTEROPATHY SYNDROME. Identifiers: Orphanet 2796, MedGen C3280800, MONDO:0013756, OMIM 614441.

Submission:

Diagnostics Division, CENTRE FOR DNA FINGERPRINTING AND DIAGNOSTICS
Classification: Likely pathogenic for Hypertrophic osteoarthropathy, primary, autosomal recessive, 2. Last evaluated: 2019-01-01. Review status: no assertion criteria provided. Collection method: research. Allele origin: germline. Affected: yes. Observed: 1 variant allele.
Comment: Nonsense variant

NM_005630.3(SLCO2A1):c.529C>T (p.Gln177Ter)

Gene: SLCO2A1 (solute carrier organic anion transporter family member 2A1; minus strand). Cytogenetic location: 3q22.1.
Variant type: single nucleotide variant.
Coding change: c.529C>T on transcript NM_005630.3 (MANE Select); coding-DNA position 529, C replaced by T.
Protein change: p.Gln177Ter; replaces glutamine 177 with a stop codon.
Molecular consequence: nonsense.
Genome position (GRCh38, 1-based): chr3:133,955,062, G>A on the plus strand (C>T on the coding strand, the complement: SLCO2A1 is on the minus strand). VCF-style: chr3-133955062-G-A. GRCh37 (hg19) VCF-style: chr3-133673906-G-A.
Other names: short protein forms Q177*.
Identifiers: ClinVar variation 1177559 (VCV001177559.2), dbSNP rs2108045848, ClinGen allele CA354618224.
Genomic context (GRCh38, chr3:133,955,062, plus strand): 5'-CATCCACATAGGAGATCCCAAATGGCTGAATAGGCACTGTCCCGATGCCAGCCAGCAGCT[G>A]GGCAACCACCATCAGGCCCCACATGCTGCTGGTCTCCTTCTGGGGGTTCTGGGTGGTGCT-3'